The following is an entry in ClinVar:

ClinVar aggregate classification (germline): Uncertain significance. Review status: criteria provided, multiple submitters, no conflicts (2 of 4 stars). 8 submissions from 8 submitters: Uncertain significance (7). 1 of the submissions does not count toward it. Last evaluated 2026-02-16.

Conditions:
Charcot-Marie-Tooth disease type 4. Also called: Charcot-Marie-Tooth, Type 4; Charcot-Marie-Tooth disease, type IV. Identifiers: Orphanet 64749, MedGen C4082197, MONDO:0018995.
Charcot-Marie-Tooth disease type 2A2. Also called: CHARCOT-MARIE-TOOTH DISEASE, AXONAL, TYPE 2A2; CHARCOT-MARIE-TOOTH DISEASE, NEURONAL, TYPE 2A2; HEREDITARY MOTOR AND SENSORY NEUROPATHY IIA2; HMSN IIA2; CHARCOT-MARIE-TOOTH DISEASE, AXONAL, AUTOSOMAL DOMINANT, TYPE 2A2A; Charcot-Marie-Tooth Neuropathy Type 2A2. Identifiers: Orphanet 99947, MedGen C4721887, MONDO:0012231, OMIM 609260.
Inborn genetic diseases. Identifiers: MedGen C0950123, MeSH D030342.
Charcot-Marie-Tooth disease. Also called: Charcot-Marie-Tooth Neuropathy; Charcot-Marie-Tooth Hereditary Neuropathy. Identifiers: Orphanet 166, MedGen C0007959, MONDO:0015626.
Charcot-Marie-Tooth disease type 2. Also called: Charcot-Marie-Tooth type 2. Identifiers: Orphanet 64746, MedGen C0270914, MONDO:0018993.

Allele frequency attached by ClinVar (database versions not stated): ExAC 0.00001; gnomAD 0.00003; TOPMed 0.00006; gnomAD exomes 0.00002.

Submissions (8):

Women's Health and Genetics/Laboratory Corporation of America, LabCorp
Classification: Uncertain significance. Last evaluated: 2026-02-16. Review status: criteria provided, single submitter. Criteria: LabCorp Variant Classification Summary - May 2015. Collection method: clinical testing. Allele origin: germline.
Comment: Variant summary: MFN2 c.1759C>T (p.Pro587Ser) results in a non-conservative amino acid change in the encoded protein sequence. Algorithms developed to predict the effect of missense changes on protein structure and function all suggest that this variant is likely to be disruptive. The variant allele was found at a frequency of 2.4e-05 in 251452 control chromosomes. The available data on variant occurrences in the general population are insufficient to allow any conclusion about variant significance. c.1759C>T has been observed in a setting of genetic testing for Charcot-Marie Disease without precise clinical phenotype specifications and without clear evidence for causality (Volodarsky_2019, Stranneheim_2021, Ek_2023). These report(s) do not provide unequivocal conclusions about association of the variant with Charcot-Marie Disease, Axonal, Autosomal Recessive, Type 2a2b. To our knowledge, no experimental evidence demonstrating an impact on protein function has been reported. The following publications have been ascertained in the context of this evaluation (PMID: 37273706, 33726816, 32376792). ClinVar contains an entry for this variant (Variation ID: 694952). Based on the evidence outlined above, the variant was classified as uncertain significance.

Labcorp Genetics (formerly Invitae), Labcorp
Classification: Uncertain significance for Charcot-Marie-Tooth disease type 2. Last evaluated: 2025-08-25. Review status: criteria provided, single submitter. Criteria: Invitae Variant Classification Sherloc (09022015). Collection method: clinical testing. Allele origin: germline.
Comment: This sequence change replaces proline, which is neutral and non-polar, with serine, which is neutral and polar, at codon 587 of the MFN2 protein (p.Pro587Ser). This variant is present in population databases (rs771675874, gnomAD 0.004%). This missense change has been observed in individual(s) with Charcot-Marie-Tooth disease (PMID: 32376792, 37273706). ClinVar contains an entry for this variant (Variation ID: 694952). Invitae Evidence Modeling of protein sequence and biophysical properties (such as structural, functional, and spatial information, amino acid conservation, physicochemical variation, residue mobility, and thermodynamic stability) has been performed for this missense variant. However, the output from this modeling did not meet the statistical confidence thresholds required to predict the impact of this variant on MFN2 protein function. In summary, the available evidence is currently insufficient to determine the role of this variant in disease. Therefore, it has been classified as a Variant of Uncertain Significance.

Department of Clinical Genetics, Copenhagen University Hospital, Rigshospitalet
Classification: Uncertain significance for Charcot-Marie-Tooth disease type 2A2. Last evaluated: 2024-06-20. Review status: criteria provided, single submitter. Criteria: ACMG Guidelines, 2015. Collection method: clinical testing. Allele origin: germline.
Comment: PP3_Sup

Ambry Genetics
Classification: Uncertain significance for Inborn genetic diseases. Last evaluated: 2023-08-01. Review status: criteria provided, single submitter. Criteria: Ambry Variant Classification Scheme 2023. Collection method: clinical testing. Allele origin: germline.

Athena Diagnostics
Classification: Uncertain significance. Last evaluated: 2023-03-08. Review status: criteria provided, single submitter. Criteria: Athena Diagnostics Criteria. Collection method: clinical testing. Allele origin: unknown.
Comment: Available data are insufficient to determine the clinical significance of the variant at this time. The frequency of this variant in the general population is uninformative in assessment of its pathogenicity. Computational tools disagree on the variant's effect on normal protein function.

Breakthrough Genomics
Classification: Uncertain significance. Review status: criteria provided, single submitter. Criteria: ACMG Guidelines, 2015. Collection method: not provided. Allele origin: germline. Inheritance: Autosomal recessive inheritance. Affected: yes.

Molecular Genetics Laboratory, London Health Sciences Centre
Classification: Uncertain significance for Charcot-Marie-Tooth disease. Review status: criteria provided, single submitter. Criteria: ACMG Guidelines, 2015. Collection method: clinical testing. Allele origin: germline. Affected: yes.

Genesis Genome Database
Classification: Uncertain significance for Charcot-Marie-Tooth disease type 4. Last evaluated: 2019-08-14. Review status: no assertion criteria provided. Collection method: research. Allele origin: germline. Affected: yes. Not counted in ClinVar's aggregate classification.

Literature cited by the submitters: PubMed 32376792 (cited by 3 submitters); PubMed 33726816 (cited by Women's Health and Genetics/Laboratory Corporation of America, LabCorp); PubMed 37273706 (cited by Women's Health and Genetics/Laboratory Corporation of America, LabCorp and Labcorp Genetics (formerly Invitae), Labcorp).

NM_014874.4(MFN2):c.1759C>T (p.Pro587Ser)

Gene: MFN2 (mitofusin 2; plus strand). Cytogenetic location: 1p36.22.
Variant type: single nucleotide variant.
Coding change: c.1759C>T on transcript NM_014874.4 (MANE Select); coding-DNA position 1759, C replaced by T.
Protein change: p.Pro587Ser; replaces proline 587 with serine.
Molecular consequence: missense variant.
Genome position (GRCh38, 1-based): chr1:12,006,580, C>T. VCF-style: chr1-12006580-C-T. GRCh37 (hg19) VCF-style: chr1-12066637-C-T.
Other names: c.1759C>T, p.Pro587Ser (NM_001127660.2); short protein forms P587S.
Identifiers: ClinVar variation 694952 (VCV000694952.14), dbSNP rs771675874, ClinGen allele CA599221.
Genomic context (GRCh38, chr1:12,006,580, plus strand): 5'-TCATGTTTCTCTCCTCAGGTCCAGCGTCCCATCCCTCTGACGCCAGCCAACCCCAGCATG[C>T]CCCCACTGCCACAGGGCTCGCTCACCCAGGAGGAGTTCATGGTTTCCATGGTTACCGGCC-3'
Protein context (NP_055689.1, residues 577-597): IPLTPANPSM[Pro587Ser]PLPQGSLTQE